The following is an entry in ClinVar:

NM_001018115.3(FANCD2):c.1009A>T (p.Ser337Cys)

Genes: FANCD2 (FA complementation group D2; plus strand), LOC107303338 (3p25 FANCD2 Alu-mediated recombination region; plus strand). Cytogenetic location: 3p25.3.
Variant type: single nucleotide variant.
Coding change: c.1009A>T on transcript NM_001018115.3 (MANE Select); coding-DNA position 1009, A replaced by T.
Protein change: p.Ser337Cys; replaces serine 337 with cysteine.
Molecular consequence: missense variant.
Genome position (GRCh38, 1-based): chr3:10,043,503, A>T. VCF-style: chr3-10043503-A-T. GRCh37 (hg19) VCF-style: chr3-10085187-A-T.
Other names: c.1009A>T, p.Ser337Cys (NM_001319984.2, NM_001374253.1, NM_001374254.1 and 1 more transcripts); short protein forms S337C.
Identifiers: ClinVar variation 2163942 (VCV002163942.4), dbSNP rs751421626, ClinGen allele CA2249461.

ClinVar aggregate classification (germline): Uncertain significance (1 of 4 stars; one submission).

Conditions:
Fanconi anemia (FA). Also called: Fanconi's anemia. Identifiers: Orphanet 84, MedGen C0015625, MeSH D005199, MONDO:0019391.

Allele frequency attached by ClinVar (database versions not stated): gnomAD exomes below 0.00001.
gnomAD v4.1: 1 of 1,613,864 alleles (0.000062%); highest among the groups gnomAD compares: Non-Finnish European, 0.000085%; no homozygotes.

Submission:

Labcorp Genetics (formerly Invitae), Labcorp
Classification: Uncertain significance for Fanconi anemia. Last evaluated: 2022-04-29. Review status: criteria provided, single submitter. Criteria: Invitae Variant Classification Sherloc (09022015). Collection method: clinical testing. Allele origin: germline.
Comment: In summary, the available evidence is currently insufficient to determine the role of this variant in disease. Therefore, it has been classified as a Variant of Uncertain Significance. This sequence change replaces serine, which is neutral and polar, with cysteine, which is neutral and slightly polar, at codon 337 of the FANCD2 protein (p.Ser337Cys). This variant is present in population databases (rs751421626, gnomAD 0.0009%). This variant has not been reported in the literature in individuals affected with FANCD2-related conditions. Algorithms developed to predict the effect of missense changes on protein structure and function are either unavailable or do not agree on the potential impact of this missense change (SIFT: "Deleterious"; PolyPhen-2: "Possibly Damaging"; Align-GVGD: "Class C0").